The following is an entry in ClinVar:

NM_003245.4(TGM3):c.2018C>T (p.Ala673Val)

Gene: TGM3 (transglutaminase 3; plus strand). Cytogenetic location: 20p13.
Variant type: single nucleotide variant.
Coding change: c.2018C>T on transcript NM_003245.4 (MANE Select); coding-DNA position 2018, C replaced by T.
Protein change: p.Ala673Val; replaces alanine 673 with valine.
Molecular consequence: missense variant.
Genome position (GRCh38, 1-based): chr20:2,340,517, C>T. VCF-style: chr20-2340517-C-T. GRCh37 (hg19) VCF-style: chr20-2321163-C-T.
Other names: short protein forms A673V.
Identifiers: ClinVar variation 3034794 (VCV003034794.2), dbSNP rs146717993, ClinGen allele CA9731439.

ClinVar aggregate classification (germline): Likely benign (0 of 4 stars; one submission).

Conditions:
TGM3-related disorder. Also called: TGM3-related condition.

Allele frequency attached by ClinVar (database versions not stated): ExAC 0.00106; ESP Exome Variant Server 0.00161; gnomAD exomes 0.00196; TOPMed 0.00092.

Submission:

PreventionGenetics, part of Exact Sciences
Classification: Likely benign for TGM3-related condition. Last evaluated: 2023-06-02. Review status: no assertion criteria provided. Collection method: clinical testing. Allele origin: germline.
Comment: This variant is classified as likely benign based on ACMG/AMP sequence variant interpretation guidelines (Richards et al. 2015 PMID: 25741868, with internal and published modifications).